The following is an entry in ClinVar:

ClinVar aggregate classification (germline): Uncertain significance (1 of 4 stars; one submission).

Conditions:
Leigh syndrome (NULS). Also called: Leigh's necrotizing encephalopathy; Leigh's disease; Leigh Syndrome (mtDNA deletion); Leigh Disease; Subacute necrotizing encephalopathy; Necrotizing encephalopathy infantile subacute of Leigh. Identifiers: Orphanet 506, MedGen C2931891, MONDO:0009723, OMIM 256000.

Submission:

Wong Mito Lab, Molecular and Human Genetics, Baylor College of Medicine
Classification: Uncertain significance for Leigh syndrome. Last evaluated: 2019-10-17. Review status: criteria provided, single submitter. Criteria: Modified ACMG Guidelines (Unpublished). Collection method: clinical testing. Allele origin: germline.
Comment: The NC_012920.1:m.13583C>T (YP_003024036.1:p.Thr416Ile) variant in MTND5 gene is interpretated to be a Uncertain Significance variant based on the modified ACMG guidelines (unpublished). This variant meets the following evidence codes: PP4

NC_012920.1(MT-ND5):m.13583C>T

Gene: MT-ND5 (mitochondrially encoded NADH dehydrogenase 5; plus strand).
Variant type: single nucleotide variant.
Genome position: chrM-13583-C-T.
Identifiers: ClinVar variation 693576 (VCV000693576.1), dbSNP rs1603224248, ClinGen allele CA414818638.